The following is an entry in ClinVar:

ClinVar aggregate classification (germline): Benign/Likely benign. Review status: criteria provided, multiple submitters, no conflicts (2 of 4 stars). 11 submissions from 9 submitters: Benign (7); Likely benign (1). 3 of the submissions do not count toward it. Last evaluated 2026-05-11.

Conditions:
von Willebrand disease type 2 (VWD2). Also called: VWD, TYPE 2; VON WILLEBRAND DISEASE, TYPE 2A/IIE; VON WILLEBRAND DISEASE, TYPE 2CB; VON WILLEBRAND DISEASE, TYPE II. Identifiers: Orphanet 166081, Orphanet 903, MedGen C1264040, MONDO:0013304, OMIM 613554.
von Willebrand disease type 1 (VWD1). Also called: VWD, TYPE 1; VON WILLEBRAND DISEASE, TYPE I. Identifiers: Orphanet 166078, Orphanet 903, MedGen C1264039, MONDO:0008668, OMIM 193400. Inheritance: autosomal recessive or autosomal dominant.
von Willebrand disease type 3 (VWD3). Also called: Type 3 Von Willebrand's disease; Type 3 VWD; Von Willebrand disease, severe form; V WD3; VON WILLEBRAND DISEASE, TYPE III. Identifiers: Orphanet 166096, MedGen C1264041, MONDO:0010191, OMIM 277480.

Allele frequency attached by ClinVar (database versions not stated): ExAC 0.32312; 1000 Genomes Project 30x 0.34572; gnomAD 0.40791 and 0.39558; ESP Exome Variant Server 0.42888; gnomAD exomes 0.31234 and 0.35174; 1000 Genomes Project 0.33646; TOPMed 0.39949.

Submissions (11):

Women's Health and Genetics/Laboratory Corporation of America, LabCorp
Classification: Benign. Last evaluated: 2026-05-11. Review status: criteria provided, single submitter. Criteria: LabCorp Variant Classification Summary - May 2015. Collection method: clinical testing. Allele origin: germline.

Genome-Nilou Lab
Classification: Benign for von Willebrand disease type 1. Last evaluated: 2021-12-05. Review status: criteria provided, single submitter. Criteria: ACMG Guidelines, 2015. Collection method: clinical testing. Allele origin: germline. Affected: no.

Genome-Nilou Lab
Classification: Benign for von Willebrand disease type 3. Last evaluated: 2021-12-05. Review status: criteria provided, single submitter. Criteria: ACMG Guidelines, 2015. Collection method: clinical testing. Allele origin: germline. Affected: no.

Genome-Nilou Lab
Classification: Benign for von Willebrand disease type 2. Last evaluated: 2021-12-05. Review status: criteria provided, single submitter. Criteria: ACMG Guidelines, 2015. Collection method: clinical testing. Allele origin: germline. Affected: no.

ARUP Laboratories, Molecular Genetics and Genomics, ARUP Laboratories
Classification: Benign. Last evaluated: 2021-03-02. Review status: criteria provided, single submitter. Criteria: ARUP Molecular Germline Variant Investigation Process 2021. Collection method: clinical testing. Allele origin: germline.

GeneDx
Classification: Benign. Last evaluated: 2018-10-08. Review status: criteria provided, single submitter. Criteria: GeneDx Variant Classification Process June 2021. Collection method: clinical testing. Allele origin: germline. Affected: yes.

Breakthrough Genomics
Classification: Likely benign. Review status: criteria provided, single submitter. Criteria: ACMG Guidelines, 2015. Collection method: not provided. Allele origin: germline. Inheritance: Autosomal recessive inheritance. Affected: yes.

PreventionGenetics, part of Exact Sciences
Classification: Benign. Review status: criteria provided, single submitter. Criteria: ACMG Guidelines, 2015. Collection method: clinical testing. Allele origin: germline.

Department of Pathology and Laboratory Medicine, Sinai Health System
Classification: Uncertain significance. Review status: no assertion criteria provided. Collection method: clinical testing. Allele origin: unknown. Affected: yes. Study: The Canadian Open Genetics Repository (COGR). Not counted in ClinVar's aggregate classification.
Comment: Allele frequency is common in at least one population database (frequency: 58.183% in gnomAD_Exomes) based on the frequency threshold of 0.5% for this gene. Variant was observed in a homozygous state in population databases more than expected for disease. A synonymous variant not located in a splice region.

Genome Diagnostics Laboratory, University Medical Center Utrecht
Classification: Benign. Review status: no assertion criteria provided. Collection method: clinical testing. Allele origin: germline. Affected: yes. Study: VKGL Data-share Consensus. Not counted in ClinVar's aggregate classification.

Joint Genome Diagnostic Labs from Nijmegen and Maastricht, Radboudumc and MUMC+
Classification: Benign. Review status: no assertion criteria provided. Collection method: clinical testing. Allele origin: germline. Affected: yes. Study: VKGL Data-share Consensus. Not counted in ClinVar's aggregate classification.

NM_000552.5(VWF):c.2385T>C (p.Tyr795=)

Gene: VWF (von Willebrand factor; minus strand). Cytogenetic location: 12p13.31.
Variant type: single nucleotide variant.
Coding change: c.2385T>C on transcript NM_000552.5 (MANE Select); coding-DNA position 2385, T replaced by C.
Protein change: p.Tyr795=; no amino-acid change (tyrosine 795 retained).
Molecular consequence: synonymous variant.
Genome position (GRCh38, 1-based): chr12:6,044,348, A>G on the plus strand (T>C on the coding strand, the complement: VWF is on the minus strand). VCF-style: chr12-6044348-A-G. GRCh37 (hg19) VCF-style: chr12-6153514-A-G.
Identifiers: ClinVar variation 256660 (VCV000256660.21), dbSNP rs1063857, ClinGen allele CA6403087.
Genomic context (GRCh38, chr12:6,044,348, plus strand): 5'-CACCATGCCCGGGGGGCAGAGGCAGCCAGAGACACAGCCCATGCTCATGCACTCCAGGTC[A>G]TAGTTCTGGCACGTTTTGGTACACTCGAGCCCTTCAGCCCGCAGGTTGTCAGCGGGACAC-3'
Protein context (NP_000543.3, residues 785-805): GLECTKTCQN[Tyr795=]DLECMSMGCV